The following is an entry in ClinVar:

ClinVar aggregate classification (germline): Conflicting classifications of pathogenicity. Review status: criteria provided, conflicting classifications (1 of 4 stars). 5 submissions from 5 submitters: Likely pathogenic (1); Uncertain significance (3); Likely benign (1). Last evaluated 2025-12-15.

Conditions:
Hereditary cancer-predisposing syndrome. Also called: Neoplastic Syndromes, Hereditary; Tumor predisposition; Hereditary Cancer Syndrome; Hereditary neoplastic syndrome. Identifiers: Orphanet 140162, MedGen C0027672, MeSH D009386, MONDO:0015356.
BAP1-related tumor predisposition syndrome (TPDS1). Also called: BAP1 tumor predisposition syndrome; COMMON Syndrome; TUMOR PREDISPOSITION SYNDROME 1; Tumor susceptibility linked to germline BAP1 mutations. Identifiers: Orphanet 289539, MedGen C3280492, MONDO:0013692, OMIM 614327.
Ewing sarcoma (ES). Also called: Ewing's sarcoma; Ewing's tumor; Ewing tumor. Identifiers: Orphanet 2677, Orphanet 319, MedGen C0553580, MONDO:0012817, OMIM 612219, HP:0012254.

Allele frequency attached by ClinVar (database versions not stated): gnomAD exomes below 0.00001; gnomAD 0.00001.

Submissions (5):

Labcorp Genetics (formerly Invitae), Labcorp
Classification: Uncertain significance for BAP1-related tumor predisposition syndrome. Last evaluated: 2025-12-15. Review status: criteria provided, single submitter. Criteria: Invitae Variant Classification Sherloc (09022015). Collection method: clinical testing. Allele origin: germline.
Comment: This sequence change falls in intron 4 of the BAP1 gene. It does not directly change the encoded amino acid sequence of the BAP1 protein. It affects a nucleotide within the consensus splice site. The frequency data for this variant in the population databases is considered unreliable, as metrics indicate poor data quality at this position in the gnomAD database. This variant has not been reported in the literature in individuals affected with BAP1-related conditions. ClinVar contains an entry for this variant (Variation ID: 472695). Variants that disrupt the consensus splice site are a relatively common cause of aberrant splicing (PMID: 17576681, 9536098). Studies have shown that this variant is associated with inconclusive levels of altered splicing (internal data). In summary, the available evidence is currently insufficient to determine the role of this variant in disease. Therefore, it has been classified as a Variant of Uncertain Significance.

Color Diagnostics, LLC DBA Color Health
Classification: Uncertain significance for Hereditary cancer-predisposing syndrome. Last evaluated: 2024-12-11. Review status: criteria provided, single submitter. Criteria: ACMG Guidelines, 2015. Collection method: clinical testing. Allele origin: germline.
Comment: This variant causes a C to A nucleotide substitution at the -3 position of intron 4 of the BAP1 gene. Splice site prediction tools predict that this variant may have a significant impact on RNA splicing. To our knowledge, RNA studies have not been reported for this variant. This variant has not been reported in individuals affected with hereditary cancer in the literature. This variant has been identified in 1/30944 chromosomes in the general population by the Genome Aggregation Database (gnomAD). The available evidence is insufficient to determine the role of this variant in disease conclusively. Therefore, this variant is classified as a Variant of Uncertain Significance.

Baylor Genetics
Classification: Uncertain significance for BAP1-related tumor predisposition syndrome. Last evaluated: 2024-01-10. Review status: criteria provided, single submitter. Criteria: ACMG Guidelines, 2015. Collection method: clinical testing. Allele origin: unknown.

Ambry Genetics
Classification: Likely benign for Hereditary cancer-predisposing syndrome. Last evaluated: 2021-05-06. Review status: criteria provided, single submitter. Criteria: Ambry Variant Classification Scheme 2023. Collection method: clinical testing. Allele origin: germline.

St. Jude Molecular Pathology, St. Jude Children's Research Hospital
Classification: Likely pathogenic for Ewing sarcoma. Last evaluated: 2017-08-24. Review status: criteria provided, single submitter. Criteria: ACMG Guidelines, 2015. Collection method: clinical testing. Allele origin: germline. Affected: yes.
Comment: This is a splice site alteration in which a C is replaced by an A in intron 4, three nucleotides upstream of exon 5. Classification criteria: PVS1 (Although this alteration is not in a canonical +/- 1 or 2 splice site, examination of the patient's paired tumor transcriptome data revealed that this alteration is associated with abberant splicing and intron retention), PM2.

Literature cited by the submitters: PubMed 17576681 (cited by Labcorp Genetics (formerly Invitae), Labcorp); PubMed 9536098 (cited by Labcorp Genetics (formerly Invitae), Labcorp).

NM_004656.4(BAP1):c.256-3C>A

Gene: BAP1 (BRCA1 associated deubiquitinase 1; minus strand). Cytogenetic location: 3p21.1.
Variant type: single nucleotide variant.
Coding change: c.256-3C>A on transcript NM_004656.4 (MANE Select); 3 bases into the intron before coding-DNA position 256, C replaced by A.
Molecular consequence: intron variant.
Genome position (GRCh38, 1-based): chr3:52,408,080, G>T on the plus strand (C>A on the coding strand, the complement: BAP1 is on the minus strand). VCF-style: chr3-52408080-G-T. GRCh37 (hg19) VCF-style: chr3-52442096-G-T.
Other names: c.256-3C>A (LRG_529t1).
Identifiers: ClinVar variation 472695 (VCV000472695.20), dbSNP rs752536342, ClinGen allele CA74744147.